The following is an entry in ClinVar:

ClinVar aggregate classification (germline): Uncertain significance (1 of 4 stars; one submission).

Conditions:
DNMT3A-related disorder. Also called: DNMT3A-related disorders; DNMT3A-related condition.

Submission:

PreventionGenetics, part of Exact Sciences
Classification: Uncertain significance for DNMT3A-related condition. Last evaluated: 2024-10-30. Review status: criteria provided, single submitter. Criteria: ACMG Guidelines, 2015. Collection method: clinical testing. Allele origin: germline.
Comment: The DNMT3A c.1772C>T variant is predicted to result in the amino acid substitution p.Thr591Ile. To our knowledge, this variant has not been reported in the literature or in a large population database (gnomAD), indicating this variant is rare. At this time, the clinical significance of this variant is uncertain due to the absence of conclusive functional and genetic evidence.

NM_022552.5(DNMT3A):c.1772C>T (p.Thr591Ile)

Gene: DNMT3A (DNA methyltransferase 3 alpha; minus strand). Cytogenetic location: 2p23.3.
Variant type: single nucleotide variant.
Coding change: c.1772C>T on transcript NM_022552.5 (MANE Select); coding-DNA position 1772, C replaced by T.
Protein change: p.Thr591Ile; replaces threonine 591 with isoleucine.
Molecular consequence: missense variant. On other transcripts: non-coding transcript variant (1).
Genome position (GRCh38, 1-based): chr2:25,244,234, G>A on the plus strand (C>T on the coding strand, the complement: DNMT3A is on the minus strand). VCF-style: chr2-25244234-G-A. GRCh37 (hg19) VCF-style: chr2-25467103-G-A.
Other names: c.1316C>T, p.Thr439Ile (NM_001320893.1); c.1103C>T, p.Thr368Ile (NM_001375819.1); c.1205C>T, p.Thr402Ile (NM_153759.3); c.1772C>T, p.Thr591Ile (NM_175629.2); short protein forms T368I, T402I, T439I, T591I.
Identifiers: ClinVar variation 5001667 (VCV005001667.1).